The following is an entry in ClinVar:

ClinVar aggregate classification (germline): Benign/Likely benign. Review status: criteria provided, multiple submitters, no conflicts (2 of 4 stars). 5 submissions from 5 submitters: Benign (4); Likely benign (1). Last evaluated 2026-02-04.

Conditions:
Asphyxiating thoracic dystrophy 3. Also called: SHORT-RIB THORACIC DYSPLASIA 3 WITH OR WITHOUT POLYDACTYLY; POLYDACTYLY WITH NEONATAL CHONDRODYSTROPHY, TYPE I; SHORT-RIB THORACIC DYSPLASIA 3/6 WITH POLYDACTYLY, DIGENIC; Short rib polydactyly syndrome 2B; Saldino-Noonan Syndrome. Identifiers: Orphanet 474, Orphanet 93269, Orphanet 93270, Orphanet 93271, MedGen C0036069, MONDO:0013127, OMIM 613091.
Jeune thoracic dystrophy. Also called: Infantile thoracic dystrophy; Thoracic pelvic phalangeal dystrophy; Jeune's syndrome; Chondroectodermal dysplasia-like syndrome; Short-rib thoracic dysplasia; Jeune syndrome. Identifiers: Orphanet 474, MedGen C0265275, MONDO:0018770.

Allele frequency attached by ClinVar (database versions not stated): gnomAD exomes 0.00149; ExAC 0.00196; 1000 Genomes Project 0.00439; 1000 Genomes Project 30x 0.00500; gnomAD 0.00563 and 0.00612; ESP Exome Variant Server 0.00627; TOPMed 0.00670.
gnomAD v4.1: 1,758 of 1,611,986 alleles (0.11%); highest among the groups gnomAD compares: African/African-American, 1.9%; 16 homozygotes.

Submissions (5):

Labcorp Genetics (formerly Invitae), Labcorp
Classification: Benign for Jeune thoracic dystrophy. Last evaluated: 2026-02-04. Review status: criteria provided, single submitter. Criteria: Invitae Variant Classification Sherloc (09022015). Collection method: clinical testing. Allele origin: germline.

Mayo Clinic Laboratories, Mayo Clinic
Classification: Likely benign. Last evaluated: 2025-04-23. Review status: criteria provided, single submitter. Criteria: ACMG Guidelines, 2015. Collection method: clinical testing. Allele origin: germline. Observed: 1 variant allele.
Comment: BS1, BP4_moderate

ARUP Laboratories, Molecular Genetics and Genomics, ARUP Laboratories
Classification: Benign for Asphyxiating thoracic dystrophy 3. Last evaluated: 2024-10-28. Review status: criteria provided, single submitter. Criteria: ARUP Molecular Germline Variant Investigation Process 2024. Collection method: clinical testing. Allele origin: germline.

Illumina Laboratory Services, Illumina
Classification: Benign for Asphyxiating thoracic dystrophy 3. Last evaluated: 2018-01-12. Review status: criteria provided, single submitter. Criteria: ICSL Variant Classification Criteria 13 December 2019. Collection method: clinical testing. Allele origin: germline.
Comment: This variant was observed in the ICSL laboratory as part of a predisposition screen in an ostensibly healthy population. It had not been previously curated by ICSL or reported in the Human Gene Mutation Database (HGMD: prior to June 1st, 2018), and was therefore a candidate for classification through an automated scoring system. Utilizing variant allele frequency, disease prevalence and penetrance estimates, and inheritance mode, an automated score was calculated to assess if this variant is too frequent to cause the disease. Based on the score and internal cut-off values, a variant classified as benign is not then subjected to further curation. The score for this variant resulted in a classification of benign for this disease.

GeneDx
Classification: Benign. Last evaluated: 2017-03-29. Review status: criteria provided, single submitter. Criteria: GeneDx Variant Classification (06012015). Collection method: clinical testing. Allele origin: germline. Affected: yes.
Comment: This variant is considered likely benign or benign based on one or more of the following criteria: it is a conservative change, it occurs at a poorly conserved position in the protein, it is predicted to be benign by multiple in silico algorithms, and/or has population frequency not consistent with disease.

NM_001377.3(DYNC2H1):c.12007G>A (p.Ala4003Thr)

Gene: DYNC2H1 (dynein cytoplasmic 2 heavy chain 1; plus strand). Cytogenetic location: 11q22.3.
Variant type: single nucleotide variant.
Coding change: c.12007G>A on transcript NM_001377.3 (MANE Select); coding-DNA position 12007, G replaced by A.
Protein change: p.Ala4003Thr; replaces alanine 4003 with threonine.
Molecular consequence: missense variant.
Genome position (GRCh38, 1-based): chr11:103,323,958, G>A. VCF-style: chr11-103323958-G-A. GRCh37 (hg19) VCF-style: chr11-103194686-G-A.
Other names: p.Ala4010Thr; c.12028G>A, p.Ala4010Thr (NM_001080463.2); short protein forms A4010T, A4003T.
Identifiers: ClinVar variation 215482 (VCV000215482.24), dbSNP rs61737514, ClinGen allele CA337431.